The following is an entry in ClinVar:

ClinVar aggregate classification (germline): Uncertain significance (1 of 4 stars; one submission).

Conditions:
Hypertrophic cardiomyopathy. Also called: HYPERTROPHIC MYOCARDIOPATHY. Identifiers: Orphanet 217569, MedGen C0007194, MeSH D002312, MONDO:0005045, HP:0001639.

Submission:

All of Us Research Program, National Institutes of Health
Classification: Uncertain significance for Hypertrophic cardiomyopathy. Last evaluated: 2023-04-10. Review status: criteria provided, single submitter. Criteria: ACMG Guidelines, 2015. Collection method: clinical testing. Allele origin: germline. Inheritance: Autosomal dominant inheritance. Observed: 1 variant allele, 1 heterozygote.
Comment: This variant is located in the 3' untranslated region of the MYL3 gene. To our knowledge, functional studies have not been reported for this variant. This variant has not been reported in individuals affected with MYL3-related disorders in the literature. This variant has not been identified in the general population by the Genome Aggregation Database (gnomAD). The available evidence is insufficient to determine the role of this variant in disease conclusively. Therefore, this variant is classified as a Variant of Uncertain Significance.

This study involves interpretation of variants in research participants for the purpose of population health screening. Participant phenotype was not available at the time of variant classification. Additional details can be found in publication PMID: 35346344, PMCID: PMC8962531

NM_000258.3(MYL3):c.*1A>C

Gene: MYL3 (myosin light chain 3; minus strand). Cytogenetic location: 3p21.31.
Variant type: single nucleotide variant.
Coding change: c.*1A>C on transcript NM_000258.3 (MANE Select); 1 bases downstream of the stop codon, A replaced by C.
Molecular consequence: 3 prime UTR variant.
Genome position (GRCh38, 1-based): chr3:46,858,243, T>G on the plus strand (A>C on the coding strand, the complement: MYL3 is on the minus strand). VCF-style: chr3-46858243-T-G. GRCh37 (hg19) VCF-style: chr3-46899733-T-G.
Other names: c.*1A>C (NM_001406937.1, NM_001406938.1, NM_001406939.1 and 2 more transcripts).
Identifiers: ClinVar variation 3070361 (VCV003070361.1), dbSNP rs2544962680, ClinGen allele CA2825001242.
Genomic context (GRCh38, chr3:46,858,243, plus strand): 5'-AGTGTGGGCAGGTGGCAGCAGCGGGTTCAGGAGGGAGTGGGTGCCTACCTGGGCACGAGG[T>G]TTAGCTGGACATGATGTGCTTCACAAATGCTGGAAAGAAGAGGAGAGTGAGTGGCAGGAG-3'